The following is an entry in ClinVar:

NM_001267550.2(TTN):c.13G>A (p.Ala5Thr)

Gene: TTN (titin; minus strand). Cytogenetic location: 2q31.2.
Variant type: single nucleotide variant.
Coding change: c.13G>A on transcript NM_001267550.2 (MANE Select); coding-DNA position 13, G replaced by A.
Protein change: p.Ala5Thr; replaces alanine 5 with threonine.
Molecular consequence: missense variant.
Genome position (GRCh38, 1-based): chr2:178,804,630, C>T on the plus strand (G>A on the coding strand, the complement: TTN is on the minus strand). VCF-style: chr2-178804630-C-T. GRCh37 (hg19) VCF-style: chr2-179669357-C-T.
Other names: c.13G>A, p.Ala5Thr (NM_001256850.1, NM_003319.4, NM_133378.4 and 3 more transcripts); short protein forms A5T.
Identifiers: ClinVar variation 466819 (VCV000466819.11), dbSNP rs552620474, ClinGen allele CA2006457.
Genomic context (GRCh38, chr2:178,804,630, plus strand): 5'-AGGTTGCGGTACTACCCTCCAGTACCACAACGCTTTGTAACGGCTGCGTAAACGTCGGTG[C>T]TTGAGTTGTCATCTTTCTAGGCACTCTGAAAAAGAAGAGAAAATAAATTAGGGTGTCCCA-3'
Protein context (NP_001254479.2, residues 1-15): MTTQ[Ala5Thr]PTFTQPLQSV

ClinVar aggregate classification (germline): Likely benign. Review status: criteria provided, multiple submitters, no conflicts (2 of 4 stars). 2 submissions from 2 submitters: Likely benign (2). Last evaluated 2025-06-09.

Conditions:
Autosomal recessive limb-girdle muscular dystrophy type 2J (LGMDR10). Also called: Limb-girdle muscular dystrophy, type 2J; MUSCULAR DYSTROPHY, LIMB-GIRDLE, AUTOSOMAL RECESSIVE 10. Identifiers: Orphanet 140922, MedGen C1837342, MONDO:0012127, OMIM 608807.
Dilated cardiomyopathy 1G (CMD1G). Identifiers: Orphanet 154, MedGen C1858763, MONDO:0011400, OMIM 604145.

Allele frequency attached by ClinVar (database versions not stated): gnomAD 0.00002 and 0.00003; gnomAD exomes 0.00002 and 0.00014; TOPMed 0.00002; 1000 Genomes Project 30x 0.00016; ExAC 0.00016; 1000 Genomes Project 0.00020.
gnomAD v4.1: 30 of 1,613,842 alleles (0.0019%); highest among the groups gnomAD compares: East Asian, 0.062%; no homozygotes.

Submissions (2):

Labcorp Genetics (formerly Invitae), Labcorp
Classification: Likely benign for Dilated cardiomyopathy 1G; Autosomal recessive limb-girdle muscular dystrophy type 2J. Last evaluated: 2025-06-09. Review status: criteria provided, single submitter. Criteria: Invitae Variant Classification Sherloc (09022015). Collection method: clinical testing. Allele origin: germline.

GeneDx
Classification: Likely benign. Last evaluated: 2017-06-13. Review status: criteria provided, single submitter. Criteria: GeneDx Variant Classification (06012015). Collection method: clinical testing. Allele origin: germline. Affected: yes.
Comment: This variant is considered likely benign or benign based on one or more of the following criteria: it is a conservative change, it occurs at a poorly conserved position in the protein, it is predicted to be benign by multiple in silico algorithms, and/or has population frequency not consistent with disease.